The following is an entry in ClinVar:

ClinVar aggregate classification (germline): Likely pathogenic (1 of 4 stars; one submission).

Conditions:
Ellis-van Creveld syndrome (EVC). Also called: EVC-Related Ellis-van Creveld Syndrome; EVC2-Related Ellis-van Creveld Syndrome; MESOECTODERMAL DYSPLASIA; Chondroectodermal dysplasia. Identifiers: Orphanet 289, MedGen C0013903, MONDO:0009162, OMIM 225500.

Submission:

Myriad Genetics, Inc.
Classification: Likely pathogenic for Ellis-van Creveld syndrome. Last evaluated: 2022-02-20. Review status: criteria provided, single submitter. Criteria: Myriad Women's Health Autosomal Recessive and X-Linked Classification Criteria (2021). Collection method: clinical testing. Allele origin: unknown.
Comment: NM_147127.4(EVC2):c.1313T>A(L438*) is expected to be pathogenic in the context of EVC2-related Ellis-van Creveld syndrome. This variant is predicted to lead to an abnormal or absent protein product due to the creation of a premature termination codon in EVC2, a gene where loss-of-function variants are known to be pathogenic. Please note: this variant was assessed in the context of healthy population screening.

NM_147127.5(EVC2):c.1313T>A (p.Leu438Ter)

Genes: EVC2 (EvC ciliary complex subunit 2; minus strand), LOC126806961 (BRD4-independent group 4 enhancer GRCh37_chr4:5641443-5642642; plus strand). Cytogenetic location: 4p16.2.
Variant type: single nucleotide variant.
Coding change: c.1313T>A on transcript NM_147127.5 (MANE Select); coding-DNA position 1313, T replaced by A.
Protein change: p.Leu438Ter; replaces leucine 438 with a stop codon.
Molecular consequence: nonsense.
Genome position (GRCh38, 1-based): chr4:5,640,671, A>T on the plus strand (T>A on the coding strand, the complement: EVC2 is on the minus strand). VCF-style: chr4-5640671-A-T. GRCh37 (hg19) VCF-style: chr4-5642398-A-T.
Other names: c.1073T>A, p.Leu358Ter (NM_001166136.2); short protein forms L358*, L438*.
Identifiers: ClinVar variation 1724602 (VCV001724602.2), dbSNP rs2475438200, ClinGen allele CA356151747.